The following is an entry in ClinVar:

ClinVar aggregate classification (germline): Benign/Likely benign. Review status: criteria provided, multiple submitters, no conflicts (2 of 4 stars). 8 submissions from 8 submitters: Benign (1); Likely benign (7). Last evaluated 2025-09-24.

Conditions:
Classic or attenuated familial adenomatous polyposis. Identifiers: MedGen CN372698, MONDO:0021057.
Hereditary cancer-predisposing syndrome. Also called: Neoplastic Syndromes, Hereditary; Hereditary Cancer Syndrome; Tumor predisposition; Hereditary neoplastic syndrome. Identifiers: Orphanet 140162, MedGen C0027672, MeSH D009386, MONDO:0015356.
Familial adenomatous polyposis 1 (FAP1). Also called: POLYPOSIS, ADENOMATOUS INTESTINAL; FAMILIAL ADENOMATOUS POLYPOSIS 1, ATTENUATED. Identifiers: MedGen C2713442, MONDO:0021056, OMIM 175100. Disease mechanism: loss of function.

Allele frequency attached by ClinVar (database versions not stated): gnomAD exomes below 0.00001.
gnomAD v4.1: 2 of 1,613,742 alleles (0.00012%); highest among the groups gnomAD compares: Non-Finnish European, 0.00017%; no homozygotes.

Submissions (8):

Labcorp Genetics (formerly Invitae), Labcorp
Classification: Likely benign for Familial adenomatous polyposis 1. Last evaluated: 2025-09-24. Review status: criteria provided, single submitter. Criteria: Invitae Variant Classification Sherloc (09022015). Collection method: clinical testing. Allele origin: germline.

Myriad Genetics, Inc.
Classification: Benign for Familial adenomatous polyposis 1. Last evaluated: 2024-03-22. Review status: criteria provided, single submitter. Criteria: Myriad Autosomal Dominant, Autosomal Recessive and X-Linked Classification Criteria (2023). Collection method: clinical testing. Allele origin: unknown.
Comment: This variant is considered benign. This variant is a silent/synonymous amino acid change and it is not expected to impact splicing.

CeGaT Center for Human Genetics Tuebingen
Classification: Likely benign. Last evaluated: 2024-03-01. Review status: criteria provided, single submitter. Criteria: CeGaT Center For Human Genetics Tuebingen Variant Classification Criteria Version 2. Collection method: clinical testing. Allele origin: germline. Affected: yes. Observed: 1 variant allele.
Comment: APC: PM2:Supporting, BP4, BP7

All of Us Research Program, National Institutes of Health
Classification: Likely benign for Classic or attenuated familial adenomatous polyposis. Last evaluated: 2023-12-13. Review status: criteria provided, single submitter. Criteria: ACMG Guidelines, 2015. Collection method: clinical testing. Allele origin: germline. Inheritance: Autosomal dominant inheritance. Observed: 1 variant allele, 1 heterozygote.
Comment: This study involves interpretation of variants in research participants for the purpose of population health screening. Participant phenotype was not available at the time of variant classification. Additional details can be found in publication PMID: 35346344, PMCID: PMC8962531

Quest Diagnostics Nichols Institute San Juan Capistrano
Classification: Likely benign. Last evaluated: 2017-12-26. Review status: criteria provided, single submitter. Criteria: Quest Diagnostics criteria. Collection method: clinical testing. Allele origin: germline.

GeneDx
Classification: Likely benign. Last evaluated: 2017-08-25. Review status: criteria provided, single submitter. Criteria: GeneDx Variant Classification (06012015). Collection method: clinical testing. Allele origin: germline. Affected: yes.
Comment: This variant is considered likely benign or benign based on one or more of the following criteria: it is a conservative change, it occurs at a poorly conserved position in the protein, it is predicted to be benign by multiple in silico algorithms, and/or has population frequency not consistent with disease.

Color Diagnostics, LLC DBA Color Health
Classification: Likely benign for Hereditary cancer-predisposing syndrome. Last evaluated: 2016-11-15. Review status: criteria provided, single submitter. Criteria: ACMG Guidelines, 2015. Collection method: clinical testing. Allele origin: germline.

Ambry Genetics
Classification: Likely benign for Hereditary cancer-predisposing syndrome. Last evaluated: 2015-01-02. Review status: criteria provided, single submitter. Criteria: Ambry Variant Classification Scheme 2023. Collection method: clinical testing. Allele origin: germline.

NM_000038.6(APC):c.3774A>G (p.Thr1258=)

Gene: APC (APC regulator of Wnt signaling pathway; plus strand). Cytogenetic location: 5q22.2.
Variant type: single nucleotide variant.
Coding change: c.3774A>G on transcript NM_000038.6 (MANE Select); coding-DNA position 3774, A replaced by G.
Protein change: p.Thr1258=; no amino-acid change (threonine 1258 retained).
Molecular consequence: synonymous variant.
Genome position (GRCh38, 1-based): chr5:112,839,368, A>G. VCF-style: chr5-112839368-A-G. GRCh37 (hg19) VCF-style: chr5-112175065-A-G.
Other names: c.3774A>G, p.Thr1258= (NM_001127510.3, NM_001354895.2); c.3720A>G, p.Thr1240= (NM_001127511.3); c.3828A>G, p.Thr1276= (NM_001354896.2); c.3804A>G, p.Thr1268= (NM_001354897.2); c.3699A>G, p.Thr1233= (NM_001354898.2); c.3690A>G, p.Thr1230= (NM_001354899.2); c.3651A>G, p.Thr1217= (NM_001354900.2); c.3597A>G, p.Thr1199= (NM_001354901.2); and 5 more.
Identifiers: ClinVar variation 229849 (VCV000229849.42), dbSNP rs542928573, ClinGen allele CA10578357.